The following is an entry in ClinVar:

NM_182961.4(SYNE1):c.2672A>G (p.His891Arg)

Gene: SYNE1 (spectrin repeat containing nuclear envelope protein 1; minus strand). Cytogenetic location: 6q25.2.
Variant type: single nucleotide variant.
Coding change: c.2672A>G on transcript NM_182961.4 (MANE Select); coding-DNA position 2672, A replaced by G.
Protein change: p.His891Arg; replaces histidine 891 with arginine.
Molecular consequence: missense variant.
Genome position (GRCh38, 1-based): chr6:152,455,941, T>C on the plus strand (A>G on the coding strand, the complement: SYNE1 is on the minus strand). VCF-style: chr6-152455941-T-C. GRCh37 (hg19) VCF-style: chr6-152777076-T-C.
Other names: c.2693A>G, p.His898Arg (NM_033071.5); short protein forms H891R, H898R.
Identifiers: ClinVar variation 2684057 (VCV002684057.1), dbSNP rs2502500089, ClinGen allele CA366111996.
Genomic context (GRCh38, chr6:152,455,941, plus strand): 5'-ATTACCTGAAAAGCAACATGAATATCTGCAATCTGTCTTTGTAGCCTCGTCTGATCAAAA[T>C]GCTTTAACACGTTGCTCAAGGTCACAAACTTTTGAACACTTTGACTGCCTTTCTCAATAA-3'
Protein context (NP_892006.3, residues 881-901): KFVTLSNVLK[His891Arg]FDQTRLQRQI

ClinVar aggregate classification (germline): Uncertain significance (1 of 4 stars; one submission).

Submission:

Athena Diagnostics
Classification: Uncertain significance. Last evaluated: 2023-05-24. Review status: criteria provided, single submitter. Criteria: Athena Diagnostics Criteria. Collection method: clinical testing. Allele origin: unknown.
Comment: Available data are insufficient to determine the clinical significance of the variant at this time. This variant has not been reported in large, multi-ethnic general populations. Computational tools predict that this variant is not damaging.